The following is an entry in ClinVar:

ClinVar aggregate classification (germline): Likely benign. Review status: criteria provided, multiple submitters, no conflicts (2 of 4 stars). 2 submissions from 2 submitters: Likely benign (2). Last evaluated 2025-04-29.

Conditions:
Early-infantile DEE. Also called: Early infantile epileptic encephalopathy with suppression bursts; Early infantile epileptic encephalopathy; Ohtahara syndrome. Identifiers: Orphanet 1934, MedGen C0393706, MONDO:0800491.

Allele frequency attached by ClinVar (database versions not stated): gnomAD exomes below 0.00001; TOPMed below 0.00001; ExAC 0.00001.
gnomAD v4.1: 1 of 1,614,084 alleles (0.000062%); no homozygotes.

Submissions (2):

Labcorp Genetics (formerly Invitae), Labcorp
Classification: Likely benign for Early-infantile DEE. Last evaluated: 2025-04-29. Review status: criteria provided, single submitter. Criteria: Invitae Variant Classification Sherloc (09022015). Collection method: clinical testing. Allele origin: germline.

GeneDx
Classification: Likely benign. Last evaluated: 2018-04-19. Review status: criteria provided, single submitter. Criteria: GeneDx Variant Classification (06012015). Collection method: clinical testing. Allele origin: germline. Affected: yes.
Comment: This variant is considered likely benign or benign based on one or more of the following criteria: it is a conservative change, it occurs at a poorly conserved position in the protein, it is predicted to be benign by multiple in silico algorithms, and/or has population frequency not consistent with disease.

NM_001130438.3(SPTAN1):c.5529A>G (p.Lys1843=)

Gene: SPTAN1 (spectrin alpha, non-erythrocytic 1; plus strand). Cytogenetic location: 9q34.11.
Variant type: single nucleotide variant.
Coding change: c.5529A>G on transcript NM_001130438.3 (MANE Select); coding-DNA position 5529, A replaced by G.
Protein change: p.Lys1843=; no amino-acid change (lysine 1843 retained).
Molecular consequence: synonymous variant.
Genome position (GRCh38, 1-based): chr9:128,618,037, A>G. VCF-style: chr9-128618037-A-G. GRCh37 (hg19) VCF-style: chr9-131380316-A-G.
Other names: c.5454A>G, p.Lys1818= (NM_001195532.2); c.5529A>G, p.Lys1843= (NM_001363759.2); c.5469A>G, p.Lys1823= (NM_001363765.2); c.5514A>G, p.Lys1838= (NM_003127.4).
Identifiers: ClinVar variation 682060 (VCV000682060.5), dbSNP rs776079416, ClinGen allele CA5265494.
Genomic context (GRCh38, chr9:128,618,037, plus strand): 5'-TGCCTGTCAGGGTGTCCTGGACACTGGCAAGAAGCTGTCCGATGACAACACCATCGGGAA[A>G]GAGGAGATCCAGCAGCGGCTGGCGCAGTTTGTGGAGCACTGGAAAGAGCTGAAGCAGCTG-3'
Protein context (NP_001123910.1, residues 1833-1853): KKLSDDNTIG[Lys1843=]EEIQQRLAQF